The following is an entry in ClinVar:

ClinVar aggregate classification (germline): Conflicting classifications of pathogenicity. Review status: criteria provided, conflicting classifications (1 of 4 stars). 2 submissions from 2 submitters: Uncertain significance (1); Likely benign (1). Last evaluated 2024-07-05.

Conditions:
Hereditary cancer-predisposing syndrome. Also called: Tumor predisposition; Hereditary Cancer Syndrome; Hereditary neoplastic syndrome; Neoplastic Syndromes, Hereditary. Identifiers: Orphanet 140162, MedGen C0027672, MeSH D009386, MONDO:0015356.
POLD1-related polyposis and colorectal cancer syndrome (CRCS10). Also called: Colorectal cancer 10; COLORECTAL CANCER, SUSCEPTIBILITY TO, ON CHROMOSOME 19q; Colorectal cancer, susceptibility to, 10. Identifiers: Orphanet 220460, MedGen C2675481, MONDO:0012953, OMIM 612591.

Submissions (2):

Ambry Genetics
Classification: Likely benign for Hereditary cancer-predisposing syndrome. Last evaluated: 2024-07-05. Review status: criteria provided, single submitter. Criteria: Ambry Variant Classification Scheme 2023. Collection method: clinical testing. Allele origin: germline.

Labcorp Genetics (formerly Invitae), Labcorp
Classification: Uncertain significance for POLD1-related polyposis and colorectal cancer syndrome. Last evaluated: 2022-10-18. Review status: criteria provided, single submitter. Criteria: Invitae Variant Classification Sherloc (09022015). Collection method: clinical testing. Allele origin: germline.
Comment: This variant is not present in population databases (gnomAD no frequency). In summary, the available evidence is currently insufficient to determine the role of this variant in disease. Therefore, it has been classified as a Variant of Uncertain Significance. Advanced modeling of protein sequence and biophysical properties (such as structural, functional, and spatial information, amino acid conservation, physicochemical variation, residue mobility, and thermodynamic stability) performed at Invitae indicates that this missense variant is not expected to disrupt POLD1 protein function. ClinVar contains an entry for this variant (Variation ID: 1051713). This variant has not been reported in the literature in individuals affected with POLD1-related conditions. This sequence change replaces lysine, which is basic and polar, with arginine, which is basic and polar, at codon 574 of the POLD1 protein (p.Lys574Arg).

NM_002691.4(POLD1):c.1721A>G (p.Lys574Arg)

Gene: POLD1 (DNA polymerase delta 1, catalytic subunit; plus strand). Cytogenetic location: 19q13.33.
Variant type: single nucleotide variant.
Coding change: c.1721A>G on transcript NM_002691.4 (MANE Select); coding-DNA position 1721, A replaced by G.
Protein change: p.Lys574Arg; replaces lysine 574 with arginine.
Molecular consequence: missense variant. On other transcripts: non-coding transcript variant (1).
Genome position (GRCh38, 1-based): chr19:50,407,361, A>G. VCF-style: chr19-50407361-A-G. GRCh37 (hg19) VCF-style: chr19-50910618-A-G.
Other names: c.1721A>G, p.Lys574Arg (NM_001256849.1, NM_001308632.1); c.1721A>G (NM_002691.2); short protein forms K574R.
Identifiers: ClinVar variation 1051713 (VCV001051713.8), dbSNP rs2122344493, ClinGen allele CA406981236.